The following is an entry in ClinVar:

NM_001042475.3(CEP85L):c.24_30del (p.Glu9fs)

Genes: CEP85L (centrosomal protein 85 like; minus strand), LOC129997071 (ATAC-STARR-seq lymphoblastoid silent region 17501; plus strand). Cytogenetic location: 6q22.31.
Variant type: Deletion.
Coding change: c.24_30del on transcript NM_001042475.3 (MANE Select); coding-DNA positions 24 to 30, 7 bases deleted (GGAGGCC; older notation c.24_30delGGAGGCC).
Protein change: p.Glu9fs; shifts the reading frame from glutamic acid 9.
Molecular consequence: frameshift variant. On other transcripts: intron variant (1).
Genome position (GRCh38, 1-based): chr6:118,651,240-118,651,246, GGCCTCC deleted on the plus strand (GGAGGCC on the coding strand, the reverse complement: CEP85L is on the minus strand); deleting any 7 consecutive bases within chr6:118,651,240-118,651,248 gives the same sequence; the c. name uses the placement nearest the transcript's 3' end. VCF-style (leftmost placement, unchanged base first): chr6-118651239-TGGCCTCC-T. GRCh37 (hg19) VCF-style: chr6-118972402-TGGCCTCC-T.
Other names: c.24_30del, p.Glu9fs (NM_206921.3); c.82+1454_82+1460del (NM_001178035.2); short protein forms E9fs.
Identifiers: ClinVar variation 2632690 (VCV002632690.1), dbSNP rs2533796248, ClinGen allele CA2680166004.
Genomic context (GRCh38, chr6:118,651,239, plus strand): 5'-CGCTGTCCCGTTCCTTACCGGCAGGGAAGCTGCGGGCTCCGCCGGGGCTATCCCGGCCGC[TGGCCTCC>T]GGAGCCAGGAAGCGCCCCCACATCGCGGGCGAGAGGGCCGGGTGGGCCAGGGACGCCCGA-3'

ClinVar aggregate classification (germline): Uncertain significance (1 of 4 stars; one submission).

Conditions:
CEP85L-related disorder. Also called: CEP85L-related condition.

Submission:

PreventionGenetics, part of Exact Sciences
Classification: Uncertain significance for CEP85L-related condition. Last evaluated: 2023-06-25. Review status: criteria provided, single submitter. Criteria: ACMG Guidelines, 2015. Collection method: clinical testing. Allele origin: germline.
Comment: The CEP85L c.24_30del7 variant is predicted to result in a frameshift and premature protein termination (p.Glu9Alafs*49). To our knowledge, this variant has not been reported in the literature or in a large population database, indicating this variant is rare. Of note, loss of function variants have not conclusively been associated with disease. At this time, the clinical significance of this variant is uncertain due to the absence of conclusive functional and genetic evidence.